The following is an entry in ClinVar:

NM_001142800.2(EYS):c.6791dup (p.Pro2265fs)

Gene: EYS (EGF-like photoreceptor maintenance factor; minus strand). Cytogenetic location: 6q12.
Variant type: Duplication.
Coding change: c.6791dup on transcript NM_001142800.2 (MANE Select); coding-DNA position 6791, one base duplicated (C; older notation c.6791dupC).
Protein change: p.Pro2265fs; shifts the reading frame from proline 2265.
Molecular consequence: frameshift variant.
Genome position (GRCh38, 1-based): chr6:63,999,118, G duplicated on the plus strand (C on the coding strand, the reverse complement: EYS is on the minus strand); the first of 2 consecutive G bases (chr6:63,999,118-63,999,119); duplicating either gives the same sequence. VCF-style (leftmost placement, unchanged base first): chr6-63999117-A-AG. GRCh37 (hg19) VCF-style: chr6-64709010-A-AG.
Other names: c.6791dupC (NM_001142800.1); c.6791dup, p.Pro2265fs (NM_001292009.2); short protein forms P2265fs.
Identifiers: ClinVar variation 659734 (VCV000659734.6), dbSNP rs1582105016, ClinGen allele CA915944314.

ClinVar aggregate classification (germline): Pathogenic (1 of 4 stars; one submission).

Submission:

Labcorp Genetics (formerly Invitae), Labcorp
Classification: Pathogenic. Last evaluated: 2026-01-02. Review status: criteria provided, single submitter. Criteria: Invitae Variant Classification Sherloc (09022015). Collection method: clinical testing. Allele origin: germline.
Comment: This sequence change creates a premature translational stop signal (p.Pro2265Serfs*18) in the EYS gene. It is expected to result in an absent or disrupted protein product. Loss-of-function variants in EYS are known to be pathogenic (PMID: 18836446, 20333770). This variant is not present in population databases (gnomAD no frequency). This variant has not been reported in the literature in individuals affected with EYS-related conditions. ClinVar contains an entry for this variant (Variation ID: 659734). For these reasons, this variant has been classified as Pathogenic.

Literature cited by the submitters: PubMed 18836446; PubMed 20333770.